The following is an entry in ClinVar:

NM_000080.4(CHRNE):c.509C>T (p.Thr170Met)

Genes: C17orf107 (chromosome 17 open reading frame 107; plus strand), CHRNE (cholinergic receptor nicotinic epsilon subunit; minus strand). Cytogenetic location: 17p13.2.
Variant type: single nucleotide variant.
Coding change: c.509C>T on transcript NM_000080.4 (MANE Select); coding-DNA position 509, C replaced by T.
Protein change: p.Thr170Met; replaces threonine 170 with methionine.
Molecular consequence: missense variant. On other transcripts: 3 prime UTR variant (1).
Genome position (GRCh38, 1-based): chr17:4,901,617, G>A on the plus strand (C>T on the coding strand, the complement: CHRNE is on the minus strand). VCF-style: chr17-4901617-G-A. GRCh37 (hg19) VCF-style: chr17-4804912-G-A.
Other names: c.*1084G>A (NM_001145536.2); short protein forms T170M.
Identifiers: ClinVar variation 2157657 (VCV002157657.3), dbSNP rs375652301, ClinGen allele CA397306030.

ClinVar aggregate classification (germline): Uncertain significance. Review status: criteria provided, multiple submitters, no conflicts (2 of 4 stars). 2 submissions from 2 submitters: Uncertain significance (2). Last evaluated 2023-06-02.

Conditions:
Congenital myasthenic syndrome 4A. Also called: Myasthenic syndrome, congenital, 4a, slow-channel; CONGENITAL MYASTHENIC SYNDROME TYPE Ia1; MYASTHENIC SYNDROME, CONGENITAL, 4A, SLOW-CHANNEL, AUTOSOMAL RECESSIVE. Identifiers: Orphanet 590, MedGen C4225413, MONDO:0011600, OMIM 605809.
Inborn genetic diseases. Identifiers: MedGen C0950123, MeSH D030342.

Submissions (2):

Ambry Genetics
Classification: Uncertain significance for Inborn genetic diseases. Last evaluated: 2023-06-02. Review status: criteria provided, single submitter. Criteria: Ambry Variant Classification Scheme 2023. Collection method: clinical testing. Allele origin: germline.

Labcorp Genetics (formerly Invitae), Labcorp
Classification: Uncertain significance for Congenital myasthenic syndrome 4A. Last evaluated: 2022-08-17. Review status: criteria provided, single submitter. Criteria: Invitae Variant Classification Sherloc (09022015). Collection method: clinical testing. Allele origin: germline.
Comment: This sequence change replaces threonine, which is neutral and polar, with methionine, which is neutral and non-polar, at codon 170 of the CHRNE protein (p.Thr170Met). This variant is present in population databases (no rsID available, gnomAD 0.006%). This variant has not been reported in the literature in individuals affected with CHRNE-related conditions. Advanced modeling of protein sequence and biophysical properties (such as structural, functional, and spatial information, amino acid conservation, physicochemical variation, residue mobility, and thermodynamic stability) performed at Invitae indicates that this missense variant is expected to disrupt CHRNE protein function. In summary, the available evidence is currently insufficient to determine the role of this variant in disease. Therefore, it has been classified as a Variant of Uncertain Significance.